The following is an entry in ClinVar:

ClinVar aggregate classification (germline): Uncertain significance (1 of 4 stars; one submission).

Conditions:
Familial adenomatous polyposis 1 (FAP1). Also called: POLYPOSIS, ADENOMATOUS INTESTINAL; FAMILIAL ADENOMATOUS POLYPOSIS 1, ATTENUATED. Identifiers: MedGen C2713442, MONDO:0021056, OMIM 175100. Disease mechanism: loss of function.

Allele frequency attached by ClinVar (database versions not stated): gnomAD exomes below 0.00001.
gnomAD v4.1: 5 of 1,614,034 alleles (0.00031%); highest among the groups gnomAD compares: Non-Finnish European, 0.00042%; no homozygotes.

Submission:

Labcorp Genetics (formerly Invitae), Labcorp
Classification: Uncertain significance for Familial adenomatous polyposis 1. Last evaluated: 2021-02-02. Review status: criteria provided, single submitter. Criteria: Invitae Variant Classification Sherloc (09022015). Collection method: clinical testing. Allele origin: germline.
Comment: In summary, the available evidence is currently insufficient to determine the role of this variant in disease. Therefore, it has been classified as a Variant of Uncertain Significance. Algorithms developed to predict the effect of missense changes on protein structure and function (SIFT, PolyPhen-2, Align-GVGD) all suggest that this variant is likely to be disruptive, but these predictions have not been confirmed by published functional studies and their clinical significance is uncertain. This variant has not been reported in the literature in individuals with APC-related conditions. This variant is not present in population databases (ExAC no frequency). This sequence change replaces aspartic acid with histidine at codon 1722 of the APC protein (p.Asp1722His). The aspartic acid residue is highly conserved and there is a moderate physicochemical difference between aspartic acid and histidine.

NM_000038.6(APC):c.5164G>C (p.Asp1722His)

Gene: APC (APC regulator of Wnt signaling pathway; plus strand). Cytogenetic location: 5q22.2.
Variant type: single nucleotide variant.
Coding change: c.5164G>C on transcript NM_000038.6 (MANE Select); coding-DNA position 5164, G replaced by C.
Protein change: p.Asp1722His; replaces aspartic acid 1722 with histidine.
Molecular consequence: missense variant.
Genome position (GRCh38, 1-based): chr5:112,840,758, G>C. VCF-style: chr5-112840758-G-C. GRCh37 (hg19) VCF-style: chr5-112176455-G-C.
Other names: c.5164G>C, p.Asp1722His (NM_001127510.3, NM_001354895.2); c.5110G>C, p.Asp1704His (NM_001127511.3); c.5218G>C, p.Asp1740His (NM_001354896.2); c.5194G>C, p.Asp1732His (NM_001354897.2); c.5089G>C, p.Asp1697His (NM_001354898.2); c.5080G>C, p.Asp1694His (NM_001354899.2); c.5041G>C, p.Asp1681His (NM_001354900.2); c.4987G>C, p.Asp1663His (NM_001354901.2); and 5 more; short protein forms D1596H, D1704H, D1562H, D1663H, D1681H, D1694H, D1697H, D1722H.
Identifiers: ClinVar variation 1428375 (VCV001428375.8), dbSNP rs1765864921, ClinGen allele CA16032618.